The following is an entry in ClinVar:

NM_014319.5(LEMD3):c.548C>G (p.Thr183Ser)

Gene: LEMD3 (LEM domain containing 3; plus strand). Cytogenetic location: 12q14.3.
Variant type: single nucleotide variant.
Coding change: c.548C>G on transcript NM_014319.5 (MANE Select); coding-DNA position 548, C replaced by G.
Protein change: p.Thr183Ser; replaces threonine 183 with serine.
Molecular consequence: missense variant.
Genome position (GRCh38, 1-based): chr12:65,170,144, C>G. VCF-style: chr12-65170144-C-G. GRCh37 (hg19) VCF-style: chr12-65563924-C-G.
Other names: c.548C>G, p.Thr183Ser (NM_001167614.2); short protein forms T183S.
Identifiers: ClinVar variation 1480262 (VCV001480262.6), dbSNP rs2136312741, ClinGen allele CA385673449.

ClinVar aggregate classification (germline): Uncertain significance (1 of 4 stars; one submission).

gnomAD v4.1: 5 of 1,474,786 alleles (0.00034%); highest among the groups gnomAD compares: Non-Finnish European, 0.00045%; no homozygotes.

Submission:

Labcorp Genetics (formerly Invitae), Labcorp
Classification: Uncertain significance. Last evaluated: 2022-08-23. Review status: criteria provided, single submitter. Criteria: Invitae Variant Classification Sherloc (09022015). Collection method: clinical testing. Allele origin: germline.
Comment: ClinVar contains an entry for this variant (Variation ID: 1480262). This variant has not been reported in the literature in individuals affected with LEMD3-related conditions. This variant is not present in population databases (gnomAD no frequency). This sequence change replaces threonine, which is neutral and polar, with serine, which is neutral and polar, at codon 183 of the LEMD3 protein (p.Thr183Ser). Algorithms developed to predict the effect of missense changes on protein structure and function (SIFT, PolyPhen-2, Align-GVGD) all suggest that this variant is likely to be tolerated. In summary, the available evidence is currently insufficient to determine the role of this variant in disease. Therefore, it has been classified as a Variant of Uncertain Significance. Algorithms developed to predict the effect of sequence changes on RNA splicing suggest that this variant may create or strengthen a splice site.